The following is an entry in ClinVar:

NM_001035.3(RYR2):c.10542T>G (p.His3514Gln)

Gene: RYR2 (ryanodine receptor 2; plus strand). Cytogenetic location: 1q43.
Variant type: single nucleotide variant.
Coding change: c.10542T>G on transcript NM_001035.3 (MANE Select); coding-DNA position 10542, T replaced by G.
Protein change: p.His3514Gln; replaces histidine 3514 with glutamine.
Molecular consequence: missense variant.
Genome position (GRCh38, 1-based): chr1:237,718,509, T>G. VCF-style: chr1-237718509-T-G. GRCh37 (hg19) VCF-style: chr1-237881809-T-G.
Other names: short protein forms H3514Q.
Identifiers: ClinVar variation 3075282 (VCV003075282.2), dbSNP rs2547458436, ClinGen allele CA345415345.

ClinVar aggregate classification (germline): Uncertain significance. Review status: criteria provided, multiple submitters, no conflicts (2 of 4 stars). 2 submissions from 2 submitters: Uncertain significance (2). Last evaluated 2025-02-03.

Conditions:
Cardiomyopathy (CMYO). Also called: Cardiomyopathies. Identifiers: Orphanet 167848, MedGen C0878544, MONDO:0004994, HP:0001638. Inheritance: Various modes of inheritance.
Catecholaminergic polymorphic ventricular tachycardia (CVPT). Also called: Catecholamine-induced polymorphic ventricular tachycardia. Identifiers: Orphanet 3286, MedGen C5574922, MONDO:0017990.

Submissions (2):

Color Diagnostics, LLC DBA Color Health
Classification: Uncertain significance for Cardiomyopathy. Last evaluated: 2025-02-03. Review status: criteria provided, single submitter. Criteria: ACMG Guidelines, 2015. Collection method: clinical testing. Allele origin: germline.
Comment: This missense variant replaces histidine with glutamine at codon 3514 of the RYR2 protein. Computational prediction is inconclusive regarding the impact of this variant on protein structure and function (internally defined REVEL score threshold 0.5 < inconclusive < 0.7, PMID: 27666373). To our knowledge, functional studies have not been reported for this variant. This variant has not been reported in individuals affected with RYR2-related disorders in the literature. This variant has not been identified in the general population by the Genome Aggregation Database (gnomAD). The available evidence is insufficient to determine the role of this variant in disease conclusively. Therefore, this variant is classified as a Variant of Uncertain Significance.

All of Us Research Program, National Institutes of Health
Classification: Uncertain significance for Catecholaminergic polymorphic ventricular tachycardia. Last evaluated: 2024-01-03. Review status: criteria provided, single submitter. Criteria: ACMG Guidelines, 2015. Collection method: clinical testing. Allele origin: germline. Inheritance: Autosomal dominant inheritance. Observed: 1 variant allele, 1 heterozygote.
Comment: This missense variant replaces histidine with glutamine at codon 3514 of the RYR2 protein. Computational prediction is inconclusive regarding the impact of this variant on protein structure and function (internally defined REVEL score threshold 0.5 < inconclusive < 0.7, PMID: 27666373). To our knowledge, functional studies have not been reported for this variant. This variant has not been reported in individuals affected with RYR2-related disorders in the literature. This variant has not been identified in the general population by the Genome Aggregation Database (gnomAD). The available evidence is insufficient to determine the role of this variant in disease conclusively. Therefore, this variant is classified as a Variant of Uncertain Significance.

This study involves interpretation of variants in research participants for the purpose of population health screening. Participant phenotype was not available at the time of variant classification. Additional details can be found in publication PMID: 35346344, PMCID: PMC8962531